The following is an entry in ClinVar:

ClinVar aggregate classification (germline): Uncertain significance (1 of 4 stars; one submission).

Submission:

GeneDx
Classification: Uncertain significance. Last evaluated: 2024-04-22. Review status: criteria provided, single submitter. Criteria: GeneDx Variant Classification Process June 2021. Collection method: clinical testing. Allele origin: germline. Affected: yes.
Comment: Not observed at significant frequency in large population cohorts (gnomAD); In silico analysis supports that this missense variant has a deleterious effect on protein structure/function; Has not been previously published as pathogenic or benign to our knowledge; This variant is associated with the following publications: (PMID: 22508754)

NM_007254.4(PNKP):c.1343T>A (p.Phe448Tyr)

Gene: PNKP (polynucleotide kinase 3'-phosphatase; minus strand). Cytogenetic location: 19q13.33.
Variant type: single nucleotide variant.
Coding change: c.1343T>A on transcript NM_007254.4 (MANE Select); coding-DNA position 1343, T replaced by A.
Protein change: p.Phe448Tyr; replaces phenylalanine 448 with tyrosine.
Molecular consequence: missense variant.
Genome position (GRCh38, 1-based): chr19:49,861,651, A>T on the plus strand (T>A on the coding strand, the complement: PNKP is on the minus strand). VCF-style: chr19-49861651-A-T. GRCh37 (hg19) VCF-style: chr19-50364908-A-T.
Other names: short protein forms F448Y.
Identifiers: ClinVar variation 3372189 (VCV003372189.1).